The following is an entry in ClinVar:

NM_000179.3(MSH6):c.1433A>C (p.Tyr478Ser)

Gene: MSH6 (mutS homolog 6; plus strand). Cytogenetic location: 2p16.3.
Variant type: single nucleotide variant.
Coding change: c.1433A>C on transcript NM_000179.3 (MANE Select); coding-DNA position 1433, A replaced by C.
Protein change: p.Tyr478Ser; replaces tyrosine 478 with serine.
Molecular consequence: missense variant. On other transcripts: non-coding transcript variant (4), intron variant (1).
Genome position (GRCh38, 1-based): chr2:47,799,416, A>C. VCF-style: chr2-47799416-A-C. GRCh37 (hg19) VCF-style: chr2-48026555-A-C.
Other names: c.1043A>C, p.Tyr348Ser (NM_001281492.2); c.527A>C, p.Tyr176Ser (NM_001281493.2, NM_001281494.2, NM_001406811.1 and 6 more transcripts); c.1529A>C, p.Tyr510Ser (NM_001406795.1, NM_001406802.1); c.1433A>C, p.Tyr478Ser (NM_001406796.1, NM_001406798.1, NM_001406800.1 and 4 more transcripts); c.1136A>C, p.Tyr379Ser (NM_001406797.1, NM_001406801.1, NM_001406805.1 and 10 more transcripts); c.908A>C, p.Tyr303Ser (NM_001406799.1, NM_001406806.1, NM_001406807.1); c.1355A>C, p.Tyr452Ser (NM_001406804.1); c.1439A>C, p.Tyr480Ser (NM_001406813.1); and 2 more; short protein forms Y176S, Y303S, Y348S, Y379S, Y422S, Y452S, Y478S, Y480S.
Identifiers: ClinVar variation 3230500 (VCV003230500.2), dbSNP rs1343978618, ClinGen allele CA346745512.
Genomic context (GRCh38, chr2:47,799,416, plus strand): 5'-ATTCTGGCTTTCCTGAAATTGCATTTGGCCGTTATTCAGATTCCCTGGTGCAGAAGGGCT[A>C]TAAAGTAGCACGAGTGGAACAGACTGAGACTCCAGAAATGATGGAGGCACGATGTAGAAA-3'
Protein context (NP_000170.1, residues 468-488): RYSDSLVQKG[Tyr478Ser]KVARVEQTET

ClinVar aggregate classification (germline): Uncertain significance. Review status: criteria provided, multiple submitters, no conflicts (2 of 4 stars). 2 submissions from 2 submitters: Uncertain significance (2). Last evaluated 2025-05-04.

Conditions:
Hereditary nonpolyposis colorectal neoplasms. Identifiers: MedGen C0009405, MeSH D003123.
Hereditary cancer-predisposing syndrome. Also called: Neoplastic Syndromes, Hereditary; Tumor predisposition; Hereditary neoplastic syndrome; Hereditary Cancer Syndrome. Identifiers: Orphanet 140162, MedGen C0027672, MeSH D009386, MONDO:0015356.

Submissions (2):

Labcorp Genetics (formerly Invitae), Labcorp
Classification: Uncertain significance for Hereditary nonpolyposis colorectal neoplasms. Last evaluated: 2025-05-04. Review status: criteria provided, single submitter. Criteria: Invitae Variant Classification Sherloc (09022015). Collection method: clinical testing. Allele origin: germline.
Comment: This sequence change replaces tyrosine, which is neutral and polar, with serine, which is neutral and polar, at codon 478 of the MSH6 protein (p.Tyr478Ser). This variant is not present in population databases (gnomAD no frequency). This variant has not been reported in the literature in individuals affected with MSH6-related conditions. ClinVar contains an entry for this variant (Variation ID: 3230500). Invitae Evidence Modeling of protein sequence and biophysical properties (such as structural, functional, and spatial information, amino acid conservation, physicochemical variation, residue mobility, and thermodynamic stability) indicates that this missense variant is expected to disrupt MSH6 protein function with a positive predictive value of 95%. In summary, the available evidence is currently insufficient to determine the role of this variant in disease. Therefore, it has been classified as a Variant of Uncertain Significance.

Ambry Genetics
Classification: Uncertain significance for Hereditary cancer-predisposing syndrome. Last evaluated: 2023-09-20. Review status: criteria provided, single submitter. Criteria: Ambry Variant Classification Scheme 2023. Collection method: clinical testing. Allele origin: germline.
Comment: The p.Y478S variant (also known as c.1433A>C), located in coding exon 4 of the MSH6 gene, results from an A to C substitution at nucleotide position 1433. The tyrosine at codon 478 is replaced by serine, an amino acid with dissimilar properties. This amino acid position is conserved. In addition, this alteration is predicted to be deleterious by in silico analysis. Since supporting evidence is limited at this time, the clinical significance of this alteration remains unclear.